The following is an entry in ClinVar:

NC_000017.10:g.(?_72277957)_(72310355_?)dup

Gene: DNAI2 (dynein axonemal intermediate chain 2; plus strand). Cytogenetic location: 17q25.1.
Variant type: Duplication.
Identifiers: ClinVar variation 2426785 (VCV002426785.11).

ClinVar aggregate classification (germline): Uncertain significance (1 of 4 stars; one submission).

Conditions:
Primary ciliary dyskinesia. Also called: Ciliary dyskinesia. Identifiers: Orphanet 244, MedGen C0008780, MONDO:0016575, HP:0012265.

Submission:

Labcorp Genetics (formerly Invitae), Labcorp
Classification: Uncertain significance for Primary ciliary dyskinesia. Last evaluated: 2022-09-26. Review status: criteria provided, single submitter. Criteria: Invitae Variant Classification Sherloc (09022015). Collection method: clinical testing. Allele origin: germline.
Comment: A copy number gain of the genomic region encompassing the full coding sequence of the DNAI2 gene has been identified. The boundaries of this event are unknown as they extend beyond the assayed region for this gene and therefore may encompass additional genes. As the precise location of this event is unknown, it may be in tandem or it may be located elsewhere in the genome. This variant has not been reported in the literature in individuals affected with DNAI2-related conditions. In summary, the available evidence is currently insufficient to determine the role of this variant in disease. Therefore, it has been classified as a Variant of Uncertain Significance.